The following is an entry in ClinVar:

NM_000090.4(COL3A1):c.338C>T (p.Pro113Leu)

Gene: COL3A1 (collagen type III alpha 1 chain; plus strand). Cytogenetic location: 2q32.2.
Variant type: single nucleotide variant.
Coding change: c.338C>T on transcript NM_000090.4 (MANE Select); coding-DNA position 338, C replaced by T.
Protein change: p.Pro113Leu; replaces proline 113 with leucine.
Molecular consequence: missense variant.
Genome position (GRCh38, 1-based): chr2:188,985,669, C>T. VCF-style: chr2-188985669-C-T. GRCh37 (hg19) VCF-style: chr2-189850395-C-T.
Other names: short protein forms P113L.
Identifiers: ClinVar variation 3072177 (VCV003072177.2), dbSNP rs2469108194, ClinGen allele CA349847704.

ClinVar aggregate classification (germline): Uncertain significance (1 of 4 stars; one submission).

Conditions:
Ehlers-Danlos syndrome, type 4 (EDSVASC). Also called: Ehlers-Danlos Syndrome Type IV; Ehlers-Danlos syndrome vascular type; Ehlers Danlos syndrome, ecchymotic type; Ehlers Danlos syndrome, arterial type; Ehlers Danlos syndrome, Sack-Barabas type. Identifiers: Orphanet 286, MedGen C0268338, MONDO:0017314, OMIM 130050.

Submission:

All of Us Research Program, National Institutes of Health
Classification: Uncertain significance for Ehlers-Danlos syndrome, type 4. Last evaluated: 2024-03-05. Review status: criteria provided, single submitter. Criteria: ACMG Guidelines, 2015. Collection method: clinical testing. Allele origin: germline. Inheritance: Autosomal dominant inheritance. Observed: 3 variant alleles, 3 heterozygotes.
Comment: This missense variant replaces proline with leucine at codon 113 of the COL3A1 protein. Computational prediction suggests that this variant may not impact protein structure and function (internally defined REVEL score threshold <= 0.5, PMID: 27666373). To our knowledge, functional studies have not been reported for this variant. This variant has not been reported in individuals affected with COL3A1-related disorders in the literature. This variant has not been identified in the general population by the Genome Aggregation Database (gnomAD). The available evidence is insufficient to determine the role of this variant in disease conclusively. Therefore, this variant is classified as a Variant of Uncertain Significance.

This study involves interpretation of variants in research participants for the purpose of population health screening. Participant phenotype was not available at the time of variant classification. Additional details can be found in publication PMID: 35346344, PMCID: PMC8962531